The following is an entry in ClinVar:

ClinVar aggregate classification (germline): Likely benign (1 of 4 stars; one submission).

Allele frequency attached by ClinVar (database versions not stated): ExAC 0.00006; TOPMed 0.00007; gnomAD 0.00009 and 0.00010; gnomAD exomes 0.00009; ESP Exome Variant Server 0.00015.
gnomAD v4.1: 136 of 1,613,750 alleles (0.0084%); highest among the groups gnomAD compares: South Asian, 0.012%; no homozygotes.

Submission:

CeGaT Center for Human Genetics Tuebingen
Classification: Likely benign. Last evaluated: 2026-08-01. Review status: criteria provided, single submitter. Criteria: CeGaT Center For Human Genetics Tuebingen Variant Classification Criteria Version 2. Collection method: clinical testing. Allele origin: germline. Affected: yes. Observed: 3 variant alleles.
Comment: ODC1: BP4, BP7

NM_002539.3(ODC1):c.42C>T (p.Leu14=)

Gene: ODC1 (ornithine decarboxylase 1; minus strand). Cytogenetic location: 2p25.1.
Variant type: single nucleotide variant.
Coding change: c.42C>T on transcript NM_002539.3 (MANE Select); coding-DNA position 42, C replaced by T.
Protein change: p.Leu14=; no amino-acid change (leucine 14 retained).
Molecular consequence: synonymous variant. On other transcripts: 5 prime UTR variant (1).
Genome position (GRCh38, 1-based): chr2:10,444,991, G>A on the plus strand (C>T on the coding strand, the complement: ODC1 is on the minus strand). VCF-style: chr2-10444991-G-A. GRCh37 (hg19) VCF-style: chr2-10585117-G-A.
Other names: c.42C>T, p.Leu14= (NM_001287189.2, NM_001287190.2); c.-246C>T (NM_001287188.2).
Identifiers: ClinVar variation 1298792 (VCV001298792.35), dbSNP rs201242857, ClinGen allele CA1527104.